The following is an entry in ClinVar:

NM_020911.2(PLXNA4):c.5265G>A (p.Pro1755=)

Gene: PLXNA4 (plexin A4; minus strand). Cytogenetic location: 7q32.3.
Variant type: single nucleotide variant.
Coding change: c.5265G>A on transcript NM_020911.2 (MANE Select); coding-DNA position 5265, G replaced by A.
Protein change: p.Pro1755=; no amino-acid change (proline 1755 retained).
Molecular consequence: synonymous variant.
Genome position (GRCh38, 1-based): chr7:132,140,772, C>T on the plus strand (G>A on the coding strand, the complement: PLXNA4 is on the minus strand). VCF-style: chr7-132140772-C-T. GRCh37 (hg19) VCF-style: chr7-131825531-C-T.
Other names: c.5265G>A, p.Pro1755= (NM_001393897.1).
Identifiers: ClinVar variation 3054994 (VCV003054994.2), dbSNP rs192307159, ClinGen allele CA4488947.

ClinVar aggregate classification (germline): Likely benign (0 of 4 stars; one submission).

Conditions:
PLXNA4-related disorder. Also called: PLXNA4-related condition.

Allele frequency attached by ClinVar (database versions not stated): ESP Exome Variant Server 0.00008; gnomAD 0.00029; TOPMed 0.00031; ExAC 0.00039; 1000 Genomes Project 30x 0.00109; 1000 Genomes Project 0.00120.
gnomAD v4.1: 470 of 1,613,896 alleles (0.029%); highest among the groups gnomAD compares: East Asian, 0.21%; 1 homozygote.

Submission:

PreventionGenetics, part of Exact Sciences
Classification: Likely benign for PLXNA4-related condition. Last evaluated: 2021-10-11. Review status: no assertion criteria provided. Collection method: clinical testing. Allele origin: germline.
Comment: This variant is classified as likely benign based on ACMG/AMP sequence variant interpretation guidelines (Richards et al. 2015 PMID: 25741868, with internal and published modifications).